The following is an entry in ClinVar:

ClinVar aggregate classification (germline): Pathogenic/Likely pathogenic. Review status: criteria provided, multiple submitters, no conflicts (2 of 4 stars). 5 submissions from 5 submitters: Pathogenic (3); Likely pathogenic (1). 1 of the submissions does not count toward it. Last evaluated 2025-11-14.

Conditions:
Wilson disease (WND). Also called: Wilson's disease. Identifiers: Orphanet 905, MedGen C0019202, MONDO:0010200, OMIM 277900. Disease mechanism: loss of function.

gnomAD v4.1: 1 of 1,614,170 alleles (0.000062%); highest among the groups gnomAD compares: Non-Finnish European, 0.000085%; no homozygotes.

Submissions (6):

3billion
Classification: Pathogenic for Wilson disease. Last evaluated: 2025-11-14. Review status: criteria provided, single submitter. Criteria: ACMG Guidelines, 2015. Collection method: clinical testing. Allele origin: germline. Affected: yes.
Comment: The variant is observed at an extremely low frequency in the gnomAD v4.1.0 dataset (total allele frequency: <0.001%). Predicted Consequence/Location: Canonical splice site: predicted to alter splicing and result in a loss or disruption of normal protein function. Multiple pathogenic loss-of-function variants are reported downstream of the variant. In silico tools predict the variant to alter splicing and produce an abnormal transcript [SpliceAI: 0.99 (spliceogenicity >=0.2, non-spliceogenicity <0.1)]. The variant has been reported at least twice as pathogenic with clinical assertions and evidence for the classification (ClinVar ID: VCV000495416 /PMID: 10994503). Therefore, this variant is classified as Pathogenic according to the recommendation of ACMG/AMP guideline.

Labcorp Genetics (formerly Invitae), Labcorp
Classification: Pathogenic for Wilson disease. Last evaluated: 2022-08-10. Review status: criteria provided, single submitter. Criteria: Invitae Variant Classification Sherloc (09022015). Collection method: clinical testing. Allele origin: germline.
Comment: For these reasons, this variant has been classified as Pathogenic. Algorithms developed to predict the effect of sequence changes on RNA splicing suggest that this variant may disrupt the consensus splice site. This sequence change affects a donor splice site in intron 16 of the ATP7B gene. It is expected to disrupt RNA splicing. Variants that disrupt the donor or acceptor splice site typically lead to a loss of protein function (PMID: 16199547), and loss-of-function variants in ATP7B are known to be pathogenic (PMID: 10441329, 16283883). This variant is not present in population databases (gnomAD no frequency). Disruption of this splice site has been observed in individuals with Wilson disease (PMID: 7626145, 10994503, 26799313, 31708252; Invitae). ClinVar contains an entry for this variant (Variation ID: 495416).

Women's Health and Genetics/Laboratory Corporation of America, LabCorp
Classification: Pathogenic for Wilson disease. Last evaluated: 2022-07-18. Review status: criteria provided, single submitter. Criteria: LabCorp Variant Classification Summary - May 2015. Collection method: clinical testing. Allele origin: germline.
Comment: Variant summary: ATP7B c.3556+1G>T is located in a canonical splice-site and is predicted to affect mRNA splicing resulting in a significantly altered protein due to either exon skipping, shortening, or inclusion of intronic material. Several computational tools predict a significant impact on normal splicing: Two predict the variant abolishes a 5' splicing donor site. However, these predictions have yet to be confirmed by functional studies. The variant was absent in 249588 control chromosomes (gnomAD). c.3556+1G>T has been reported in the literature in individuals affected with Wilson Disease (Karunas_2000, Khidiyatova_2008 proceedings of World Medical Conference, Balashova_2020, Couchonnal_2021). These data indicate that the variant is likely to be associated with disease. A variant involving the same nucleotide, c.3556+1G>A, has been classififed as likely pathgoenic by our lab. To our knowledge, no experimental evidence demonstrating an impact on protein function has been reported. Two clinical diagnostic laboratories have submitted clinical-significance assessments for this variant to ClinVar after 2014 and both laboratories classified the variant as pathogenic (n=1) or likely pathogenic (n=1). Based on the evidence outlined above, the variant was classified as pathogenic.

Fulgent Genetics
Classification: Likely pathogenic for Wilson disease. Last evaluated: 2022-04-21. Review status: criteria provided, single submitter. Criteria: ACMG Guidelines, 2015. Collection method: clinical testing. Allele origin: unknown.

Counsyl
Classification: Likely pathogenic for Wilson disease. Last evaluated: 2017-05-26. Review status: no assertion criteria provided. Collection method: clinical testing. Allele origin: unknown. Not counted in ClinVar's aggregate classification.

Dr. Peter K. Rogan Lab, Western University
No classification provided (evidence only). Condition: Lung cancer. Review status: no classification provided. Collection method: in vitro. Allele origin: not applicable. Functional consequence: skipped exon. Not counted in ClinVar's aggregate classification.

Literature cited by the submitters: PubMed 10994503 (cited by 3 submitters); PubMed 16199547 (cited by Labcorp Genetics (formerly Invitae), Labcorp); PubMed 10441329 (cited by Labcorp Genetics (formerly Invitae), Labcorp); PubMed 16283883 (cited by Labcorp Genetics (formerly Invitae), Labcorp); PubMed 7626145 (cited by Labcorp Genetics (formerly Invitae), Labcorp); PubMed 26799313 (cited by Labcorp Genetics (formerly Invitae), Labcorp); PubMed 31708252 (cited by Labcorp Genetics (formerly Invitae), Labcorp and Women's Health and Genetics/Laboratory Corporation of America, LabCorp); PubMed 34400371 (cited by Women's Health and Genetics/Laboratory Corporation of America, LabCorp); PubMed 25525159 (cited by Counsyl).

NM_000053.4(ATP7B):c.3556+1G>T

Gene: ATP7B (ATPase copper transporting beta; minus strand). Cytogenetic location: 13q14.3.
Variant type: single nucleotide variant.
Coding change: c.3556+1G>T on transcript NM_000053.4 (MANE Select); the canonical splice donor site of the intron after coding-DNA position 3556, G replaced by T.
Molecular consequence: splice donor variant. On other transcripts: intron variant (2).
Genome position (GRCh38, 1-based): chr13:51,941,080, C>A on the plus strand (G>T on the coding strand, the complement: ATP7B is on the minus strand). VCF-style: chr13-51941080-C-A. GRCh37 (hg19) VCF-style: chr13-52515216-C-A.
Other names: c.3070+1G>T (NM_001406541.1, NM_001406542.1); c.3304+1G>T (NM_001406531.1, NM_001406532.1, NM_001330579.2); c.3322+1G>T (NM_001406527.1, NM_001406528.1, NM_001330578.2); c.3217+1G>T (NM_001406537.1); c.3412+1G>T (NM_001406521.1, NM_001406522.1, NM_001406520.1); c.3550+1G>T (NM_001406513.1); c.3556+1G>T (NM_001406511.1, NM_001406512.1, NM_001406526.1); c.3064+1306G>T (NM_001406543.1); and 20 more.
Identifiers: ClinVar variation 495416 (VCV000495416.12), dbSNP rs184388696, ClinGen allele CA388025828.